The following is an entry in ClinVar:

ClinVar aggregate classification (germline): Likely benign (1 of 4 stars; one submission).

Allele frequency attached by ClinVar (database versions not stated): gnomAD exomes 0.00002; TOPMed 0.00002; ExAC 0.00005.
gnomAD v4.1: 32 of 1,612,390 alleles (0.002%); highest among the groups gnomAD compares: Middle Eastern, 0.017%; no homozygotes.

Submission:

CeGaT Center for Human Genetics Tuebingen
Classification: Likely benign. Last evaluated: 2022-07-01. Review status: criteria provided, single submitter. Criteria: CeGaT Center For Human Genetics Tuebingen Variant Classification Criteria Version 2. Collection method: clinical testing. Allele origin: germline. Affected: yes. Observed: 1 variant allele.
Comment: TMEM131: BP4, BP7

NM_015348.2(TMEM131):c.1872A>G (p.Leu624=)

Gene: TMEM131 (transmembrane protein 131; minus strand). Cytogenetic location: 2q11.2.
Variant type: single nucleotide variant.
Coding change: c.1872A>G on transcript NM_015348.2 (MANE Select); coding-DNA position 1872, A replaced by G.
Protein change: p.Leu624=; no amino-acid change (leucine 624 retained).
Molecular consequence: synonymous variant.
Genome position (GRCh38, 1-based): chr2:97,811,224, T>C on the plus strand (A>G on the coding strand, the complement: TMEM131 is on the minus strand). VCF-style: chr2-97811224-T-C. GRCh37 (hg19) VCF-style: chr2-98427687-T-C.
Identifiers: ClinVar variation 2651175 (VCV002651175.24), dbSNP rs762326375, ClinGen allele CA1791582.